The following is an entry in ClinVar:

NM_138393.4(REEP6):c.517+223G>A

Gene: REEP6 (receptor accessory protein 6; plus strand). Cytogenetic location: 19p13.3.
Variant type: single nucleotide variant.
Coding change: c.517+223G>A on transcript NM_138393.4 (MANE Select); 223 bases into the intron after coding-DNA position 517, G replaced by A.
Molecular consequence: intron variant.
Genome position (GRCh38, 1-based): chr19:1,496,676, G>A. VCF-style: chr19-1496676-G-A. GRCh37 (hg19) VCF-style: chr19-1496675-G-A.
Other names: c.598+5G>A (NM_001329556.3).
Identifiers: ClinVar variation 839488 (VCV000839488.5), dbSNP rs1301851683, ClinGen allele CA631057800.

ClinVar aggregate classification (germline): Uncertain significance (1 of 4 stars; one submission).

Allele frequency attached by ClinVar (database versions not stated): gnomAD 0.00003 and 0.00004; TOPMed 0.00004.
gnomAD v4.1: 10 of 719,138 alleles (0.0014%); highest among the groups gnomAD compares: Admixed American, 0.002%; no homozygotes.

Submission:

Labcorp Genetics (formerly Invitae), Labcorp
Classification: Uncertain significance. Last evaluated: 2023-10-30. Review status: criteria provided, single submitter. Criteria: Invitae Variant Classification Sherloc (09022015). Collection method: clinical testing. Allele origin: germline.
Comment: This sequence change falls in intron 5 of the REEP6 gene. It does not directly change the encoded amino acid sequence of the REEP6 protein. It affects a nucleotide within the consensus splice site. This variant is present in population databases (no rsID available, gnomAD 0.001%). This variant has not been reported in the literature in individuals affected with REEP6-related conditions. ClinVar contains an entry for this variant (Variation ID: 839488). Variants that disrupt the consensus splice site are a relatively common cause of aberrant splicing (PMID: 17576681, 9536098). Algorithms developed to predict the effect of sequence changes on RNA splicing suggest that this variant may disrupt the consensus splice site. In summary, the available evidence is currently insufficient to determine the role of this variant in disease. Therefore, it has been classified as a Variant of Uncertain Significance.

Literature cited by the submitters: PubMed 17576681; PubMed 9536098.